The following is an entry in ClinVar:

ClinVar aggregate classification (germline): Uncertain significance (1 of 4 stars; one submission).

Submission:

Labcorp Genetics (formerly Invitae), Labcorp
Classification: Uncertain significance. Last evaluated: 2023-08-27. Review status: criteria provided, single submitter. Criteria: Invitae Variant Classification Sherloc (09022015). Collection method: clinical testing. Allele origin: germline.
Comment: This sequence change replaces aspartic acid, which is acidic and polar, with glutamic acid, which is acidic and polar, at codon 246 of the UTP4 protein (p.Asp246Glu). This variant is not present in population databases (gnomAD no frequency). This variant has not been reported in the literature in individuals affected with UTP4-related conditions. Algorithms developed to predict the effect of missense changes on protein structure and function output the following: SIFT: "Not Available"; PolyPhen-2: "Benign"; Align-GVGD: "Not Available". The glutamic acid amino acid residue is found in multiple mammalian species, which suggests that this missense change does not adversely affect protein function. In summary, the available evidence is currently insufficient to determine the role of this variant in disease. Therefore, it has been classified as a Variant of Uncertain Significance.

NM_032830.3(UTP4):c.738C>A (p.Asp246Glu)

Gene: UTP4 (UTP4 small subunit processome component). Cytogenetic location: 16q22.1.
Variant type: single nucleotide variant.
Coding change: c.738C>A on transcript NM_032830.3 (MANE Select); coding-DNA position 738, C replaced by A.
Protein change: p.Asp246Glu; replaces aspartic acid 246 with glutamic acid.
Molecular consequence: missense variant.
Genome position (GRCh38, 1-based): chr16:69,143,389, C>A. VCF-style: chr16-69143389-C-A. GRCh37 (hg19) VCF-style: chr16-69177292-C-A.
Other names: c.489C>A, p.Asp163Glu (NM_001318391.2); short protein forms D163E, D246E.
Identifiers: ClinVar variation 2755382 (VCV002755382.3), dbSNP rs748353799, ClinGen allele CA396496487.
Genomic context (GRCh38, chr16:69,143,389, plus strand): 5'-GACGCTTGTGAAGAGCCATCTCATCGCTAATGCTGACGTGCAGTCCATTGCTGTAGCTGA[C>A]GTGAGTACAGTCCCTGTTTAGAGTGGTTGATGTACACCCTTGTGGGGTGAGTTGAGAAAG-3'
Protein context (NP_116219.2, residues 236-256): NADVQSIAVA[Asp246Glu]QEDSFVVGTA